The following is an entry in ClinVar:

NM_181078.3(IL21R):c.507+125A>G

Gene: IL21R (interleukin 21 receptor; plus strand). Cytogenetic location: 16p12.1.
Variant type: single nucleotide variant.
Coding change: c.507+125A>G on transcript NM_181078.3 (MANE Select); 125 bases into the intron after coding-DNA position 507, A replaced by G.
Molecular consequence: intron variant.
Genome position (GRCh38, 1-based): chr16:27,443,241, A>G. VCF-style: chr16-27443241-A-G. GRCh37 (hg19) VCF-style: chr16-27454562-A-G.
Other names: c.573+125A>G (NM_181079.5); c.507+125A>G (NM_021798.4).
Identifiers: ClinVar variation 1271815 (VCV001271815.3), dbSNP rs3093363, ClinGen allele CA14363501.

ClinVar aggregate classification (germline): Benign. Review status: criteria provided, multiple submitters, no conflicts (2 of 4 stars). 2 submissions from 2 submitters: Benign (2). Last evaluated 2023-11-12.

Allele frequency attached by ClinVar (database versions not stated): 1000 Genomes Project 0.27396; 1000 Genomes Project 30x 0.28154; gnomAD exomes 0.29020; gnomAD 0.34499 and 0.35715; TOPMed 0.34631.
gnomAD v4.1: 237,152 of 788,610 alleles (30%); highest among the groups gnomAD compares: African/African-American, 48%; 38,869 homozygotes.

Submissions (2):

Unidad de Genómica Garrahan, Hospital de Pediatría Garrahan
Classification: Benign. Last evaluated: 2023-11-12. Review status: criteria provided, single submitter. Criteria: ACMG Guidelines, 2015. Collection method: clinical testing. Allele origin: germline. Affected: no. Observed: 21 variant alleles.
Comment: This variant is classified as Benign based on local population frequency. This variant was detected in 22% of patients studied by a panel of primary immunodeficiencies. Number of patients: 21. Only high quality variants are reported.

GeneDx
Classification: Benign. Last evaluated: 2021-06-19. Review status: criteria provided, single submitter. Criteria: GeneDx Variant Classification Process June 2021. Collection method: clinical testing. Allele origin: germline. Affected: yes.